The following is an entry in ClinVar:

ClinVar aggregate classification (germline): Conflicting classifications of pathogenicity. Review status: criteria provided, conflicting classifications (1 of 4 stars). 12 submissions from 10 submitters: Uncertain significance (11); Likely benign (1). Last evaluated 2026-06-16.

Conditions:
Hypertrophic cardiomyopathy. Also called: HYPERTROPHIC MYOCARDIOPATHY. Identifiers: Orphanet 217569, MedGen C0007194, MeSH D002312, MONDO:0005045, HP:0001639.
MYH7-related disorder. Also called: MYH7-related disorders; MYH7-related condition; MYH7-related disease.
Cardiovascular phenotype. Identifiers: MedGen CN230736.
Hypertrophic cardiomyopathy 1 (CMH1). Also called: Familial hypertrophic cardiomyopathy 1; MYH7-Related Familial Hypertrophic Cardiomyopathy. Identifiers: MedGen C3495498, MONDO:0008647, OMIM 192600.
MYH7-related skeletal myopathy. Also called: Laing distal myopathy; Myopathy, distal, 1; Laing early-onset distal myopathy; MYOPATHY, DISTAL, EARLY-ONSET, AUTOSOMAL DOMINANT; MYOPATHY, LATE DISTAL HEREDITARY. Identifiers: Orphanet 59135, MedGen C4552004, MONDO:0008050, OMIM 160500.
Myosin storage myopathy (CMYO7A). Also called: SCAPULOPERONEAL MUSCULAR DYSTROPHY; SCAPULOPERONEAL SYNDROME, MYOPATHIC TYPE; MYOPATHY, HYALINE BODY, AUTOSOMAL DOMINANT; MYH7-related late-onset scapuloperoneal muscular dystrophy; Congenital myopathy 7A, myosin storage, autosomal dominant; Scapuloperoneal myopathy, MYH7-related. Identifiers: Orphanet 437572, Orphanet 636965, MedGen C1842160, MONDO:0008409, OMIM 608358.
Cardiomyopathy (CMYO). Also called: Cardiomyopathies. Identifiers: Orphanet 167848, MedGen C0878544, MONDO:0004994, HP:0001638. Inheritance: Various modes of inheritance.

Allele frequency attached by ClinVar (database versions not stated): gnomAD 0.00004.
gnomAD v4.1: 37 of 1,603,742 alleles (0.0023%); highest among the groups gnomAD compares: East Asian, 0.011%; no homozygotes.

Submissions (12):

PreventionGenetics, part of Exact Sciences
Classification: Uncertain significance for MYH7-related condition. Last evaluated: 2026-06-16. Review status: criteria provided, single submitter. Criteria: ACMG Guidelines, 2015. Collection method: clinical testing. Allele origin: germline.
Comment: The MYH7 c.3974C>T variant is predicted to result in the amino acid substitution p.Ala1325Val. This variant has been reported as a variant of uncertain significance in an individual with hypertrophic cardiomyopathy (Table S1A, Walsh et al. 2017. PubMed ID: 27532257). This variant is reported in 0.010% of alleles in individuals of East Asian descent in gnomAD. At this time, the clinical significance of this variant is uncertain due to the absence of conclusive functional and genetic evidence.

Ambry Genetics
Classification: Uncertain significance for Cardiovascular phenotype. Last evaluated: 2026-06-03. Review status: criteria provided, single submitter. Criteria: Ambry Variant Classification Scheme 2023. Collection method: clinical testing. Allele origin: germline.
Comment: The p.A1325V variant (also known as c.3974C>T), located in coding exon 28 of the MYH7 gene, results from a C to T substitution at nucleotide position 3974. The alanine at codon 1325 is replaced by valine, an amino acid with similar properties. This variant was reported in individual(s) with features consistent with hypertrophic cardiomyopathy (HCM) and long QT syndrome (Walsh R et al. Genet Med, 2017 Feb;19:192-203; Janin A et al. Mol Diagn Ther, 2021 May;25:373-385). This amino acid position is highly conserved in available vertebrate species. In addition, the in silico prediction for this alteration is inconclusive. Based on the available evidence, the clinical significance of this variant remains unclear.

Labcorp Genetics (formerly Invitae), Labcorp
Classification: Uncertain significance for Hypertrophic cardiomyopathy. Last evaluated: 2025-06-29. Review status: criteria provided, single submitter. Criteria: Invitae Variant Classification Sherloc (09022015). Collection method: clinical testing. Allele origin: germline.
Comment: This sequence change replaces alanine, which is neutral and non-polar, with valine, which is neutral and non-polar, at codon 1325 of the MYH7 protein (p.Ala1325Val). This variant is present in population databases (rs768393069, gnomAD 0.01%). This missense change has been observed in individual(s) with hypertrophic cardiomyopathy (PMID: 27532257). ClinVar contains an entry for this variant (Variation ID: 312900). An algorithm developed to predict the effect of missense changes on protein structure and function (PolyPhen-2) suggests that this variant is likely to be disruptive. In summary, the available evidence is currently insufficient to determine the role of this variant in disease. Therefore, it has been classified as a Variant of Uncertain Significance.

GeneDx
Classification: Uncertain significance. Last evaluated: 2025-04-09. Review status: criteria provided, single submitter. Criteria: GeneDx Variant Classification Process June 2021. Collection method: clinical testing. Allele origin: germline. Affected: yes.
Comment: Reported as a variant of uncertain significance in a patient with HCM in the published literature (PMID: 27532257); Not observed at significant frequency in large population cohorts (gnomAD); In silico analysis supports that this missense variant has a deleterious effect on protein structure/function; This variant is associated with the following publications: (PMID: 27532257, 37652022)

Molecular Diagnostic Laboratory for Inherited Cardiovascular Disease, Montreal Heart Institute
Classification: Uncertain significance for Cardiovascular phenotype. Last evaluated: 2025-04-09. Review status: criteria provided, single submitter. Criteria: ACMG Guidelines, 2015. Collection method: clinical testing. Allele origin: germline. Affected: yes.
Comment: PM2, PP3

All of Us Research Program, National Institutes of Health
Classification: Uncertain significance for Cardiomyopathy. Last evaluated: 2024-09-23. Review status: criteria provided, single submitter. Criteria: ACMG Guidelines, 2015. Collection method: clinical testing. Allele origin: germline. Inheritance: Autosomal dominant inheritance. Observed: 6 variant alleles, 6 heterozygotes.
Comment: This missense variant replaces alanine with valine at codon 1325 of the MYH7 protein. Computational prediction is inconclusive regarding the impact of this variant on protein structure and function (internally defined REVEL score threshold 0.5 < inconclusive < 0.7, PMID: 27666373). To our knowledge, functional studies have not been reported for this variant. This variant has been reported in an individual affected with hypertrophic cardiomyopathy (PMID: 27532257). This variant has been identified in 5/276736 chromosomes in the general population by the Genome Aggregation Database (gnomAD). The available evidence is insufficient to determine the role of this variant in disease conclusively. Therefore, this variant is classified as a Variant of Uncertain Significance.

This study involves interpretation of variants in research participants for the purpose of population health screening. Participant phenotype was not available at the time of variant classification. Additional details can be found in publication PMID: 35346344, PMCID: PMC8962531

Color Diagnostics, LLC DBA Color Health
Classification: Uncertain significance for Cardiomyopathy. Last evaluated: 2024-02-22. Review status: criteria provided, single submitter. Criteria: ACMG Guidelines, 2015. Collection method: clinical testing. Allele origin: germline.
Comment: This missense variant replaces alanine with valine at codon 1325 of the MYH7 protein. Computational prediction tools indicate that this variant's impact on protein structure and function is inconclusive. To our knowledge, functional studies have not been reported for this variant. This variant has been reported in one individual affected with hypertrophic cardiomyopathy (PMID: 27532257). This variant has been identified in 5/276736 chromosomes in the general population by the Genome Aggregation Database (gnomAD). The available evidence is insufficient to determine the role of this variant in disease conclusively. Therefore, this variant is classified as a Variant of Uncertain Significance.

Blueprint Genetics
Classification: Uncertain significance. Last evaluated: 2022-01-14. Review status: criteria provided, single submitter. Criteria: ACMG Guidelines, 2015. Collection method: clinical testing. Allele origin: germline.

ARUP Laboratories, Molecular Genetics and Genomics, ARUP Laboratories
Classification: Uncertain significance. Last evaluated: 2019-11-08. Review status: criteria provided, single submitter. Criteria: ARUP Molecular Germline Variant Investigation Process. Collection method: clinical testing. Allele origin: germline.
Comment: The MYH7 c.3974C>T; p.Ala1325Val variant (rs768393069) is reported in the literature in a single individual from a cohort affected with hypertrophic cardiomyopathy, dilated cardiomyopathy or arrhythmogenic right ventricular cardiomyopathy, though it was not shown to be disease-causing (Walsh 2017). This variant is found on only five chromosomes (5/276736 alleles) in the Genome Aggregation Database. The alanine at codon 1325 is highly conserved and computational analyses (SIFT, PolyPhen-2) predict that this variant is deleterious. However, due to limited information, the clinical significance of the p.Ala1325Val variant is uncertain at this time. References: Walsh R et al. Reassessment of Mendelian gene pathogenicity using 7,855 cardiomyopathy cases and 60,706 reference samples. Genet Med. 2017 Feb;19(2):192-203.

Illumina Laboratory Services, Illumina
Classification: Uncertain significance for Hypertrophic cardiomyopathy 1. Last evaluated: 2018-01-12. Review status: criteria provided, single submitter. Criteria: ICSL Variant Classification Criteria 13 December 2019. Collection method: clinical testing. Allele origin: germline.

Illumina Laboratory Services, Illumina
Classification: Uncertain significance for Myosin storage myopathy. Last evaluated: 2018-01-12. Review status: criteria provided, single submitter. Criteria: ICSL Variant Classification Criteria 13 December 2019. Collection method: clinical testing. Allele origin: germline.

Illumina Laboratory Services, Illumina
Classification: Likely benign for MYH7-related skeletal myopathy. Last evaluated: 2018-01-12. Review status: criteria provided, single submitter. Criteria: ICSL Variant Classification Criteria 13 December 2019. Collection method: clinical testing. Allele origin: germline.
Comment: This variant was observed in the ICSL laboratory as part of a predisposition screen in an ostensibly healthy population. It had not been previously curated by ICSL or reported in the Human Gene Mutation Database (HGMD: prior to June 1st, 2018), and was therefore a candidate for classification through an automated scoring system. Utilizing variant allele frequency, disease prevalence and penetrance estimates, and inheritance mode, an automated score was calculated to assess if this variant is too frequent to cause the disease. Based on the score and internal cut-off values, a variant classified as likely benign is not then subjected to further curation. The score for this variant resulted in a classification of likely benign for this disease.

Literature cited by the submitters: PubMed 27532257 (cited by 4 submitters); PubMed 33954932 (cited by Ambry Genetics).

NM_000257.4(MYH7):c.3974C>T (p.Ala1325Val)

Gene: MYH7 (myosin heavy chain 7; minus strand). Cytogenetic location: 14q11.2.
Variant type: single nucleotide variant.
Coding change: c.3974C>T on transcript NM_000257.4 (MANE Select); coding-DNA position 3974, C replaced by T.
Protein change: p.Ala1325Val; replaces alanine 1325 with valine.
Molecular consequence: missense variant.
Genome position (GRCh38, 1-based): chr14:23,418,405, G>A on the plus strand (C>T on the coding strand, the complement: MYH7 is on the minus strand). VCF-style: chr14-23418405-G-A. GRCh37 (hg19) VCF-style: chr14-23887614-G-A.
Other names: c.3974C>T (LRG_384t1); short protein forms A1325V.
Identifiers: ClinVar variation 312900 (VCV000312900.31), dbSNP rs768393069, ClinGen allele CA039802.